The following is an entry in ClinVar:

ClinVar aggregate classification (germline): Uncertain significance (1 of 4 stars; one submission).

Conditions:
Compton-North congenital myopathy (CMYO12). Identifiers: Orphanet 210163, MedGen C2675527, MONDO:0012929, OMIM 612540.

Allele frequency attached by ClinVar (database versions not stated): gnomAD 0.00001.
gnomAD v4.1: 1 of 1,613,782 alleles (0.000062%); highest among the groups gnomAD compares: Non-Finnish European, 0.000085%; no homozygotes.

Submission:

Labcorp Genetics (formerly Invitae), Labcorp
Classification: Uncertain significance for Compton-North congenital myopathy. Last evaluated: 2025-10-02. Review status: criteria provided, single submitter. Criteria: Invitae Variant Classification Sherloc (09022015). Collection method: clinical testing. Allele origin: germline.
Comment: This sequence change replaces glutamic acid, which is acidic and polar, with glycine, which is neutral and non-polar, at codon 453 of the CNTN1 protein (p.Glu453Gly). This variant is not present in population databases (gnomAD no frequency). This variant has not been reported in the literature in individuals affected with CNTN1-related conditions. ClinVar contains an entry for this variant (Variation ID: 1348280). Invitae Evidence Modeling of protein sequence and biophysical properties (such as structural, functional, and spatial information, amino acid conservation, physicochemical variation, residue mobility, and thermodynamic stability) indicates that this missense variant is not expected to disrupt CNTN1 protein function with a negative predictive value of 95%. In summary, the available evidence is currently insufficient to determine the role of this variant in disease. Therefore, it has been classified as a Variant of Uncertain Significance.

NM_001843.4(CNTN1):c.1358A>G (p.Glu453Gly)

Gene: CNTN1 (contactin 1; plus strand). Cytogenetic location: 12q12.
Variant type: single nucleotide variant.
Coding change: c.1358A>G on transcript NM_001843.4 (MANE Select); coding-DNA position 1358, A replaced by G.
Protein change: p.Glu453Gly; replaces glutamic acid 453 with glycine.
Molecular consequence: missense variant.
Genome position (GRCh38, 1-based): chr12:40,939,464, A>G. VCF-style: chr12-40939464-A-G. GRCh37 (hg19) VCF-style: chr12-41333266-A-G.
Other names: c.1358A>G, p.Glu453Gly (NM_001256063.2, NM_001256064.2); c.1325A>G, p.Glu442Gly (NM_175038.2); short protein forms E453G, E442G.
Identifiers: ClinVar variation 1348280 (VCV001348280.8), dbSNP rs1946191168, ClinGen allele CA384424433.